The following is an entry in ClinVar:

ClinVar aggregate classification (germline): Uncertain significance (1 of 4 stars; one submission).

Conditions:
Fanconi anemia (FA). Also called: Fanconi's anemia. Identifiers: Orphanet 84, MedGen C0015625, MeSH D005199, MONDO:0019391.

Allele frequency attached by ClinVar (database versions not stated): gnomAD exomes 0.00001 and 0.00002; TOPMed 0.00001; gnomAD 0.00002; ExAC 0.00003; 1000 Genomes Project 30x 0.00016; 1000 Genomes Project 0.00020.
gnomAD v4.1: 16 of 1,613,698 alleles (0.00099%); highest among the groups gnomAD compares: South Asian, 0.018%; no homozygotes.

Submission:

Labcorp Genetics (formerly Invitae), Labcorp
Classification: Uncertain significance for Fanconi anemia. Last evaluated: 2024-10-28. Review status: criteria provided, single submitter. Criteria: Invitae Variant Classification Sherloc (09022015). Collection method: clinical testing. Allele origin: germline.
Comment: This sequence change replaces arginine, which is basic and polar, with lysine, which is basic and polar, at codon 769 of the FANCM protein (p.Arg769Lys). This variant is present in population databases (rs548624235, gnomAD 0.02%). This variant has not been reported in the literature in individuals affected with FANCM-related conditions. ClinVar contains an entry for this variant (Variation ID: 1006934). An algorithm developed to predict the effect of missense changes on protein structure and function (PolyPhen-2) suggests that this variant is likely to be tolerated. In summary, the available evidence is currently insufficient to determine the role of this variant in disease. Therefore, it has been classified as a Variant of Uncertain Significance.

NM_020937.4(FANCM):c.2306G>A (p.Arg769Lys)

Gene: FANCM (FA complementation group M; plus strand). Cytogenetic location: 14q21.2.
Variant type: single nucleotide variant.
Coding change: c.2306G>A on transcript NM_020937.4 (MANE Select); coding-DNA position 2306, G replaced by A.
Protein change: p.Arg769Lys; replaces arginine 769 with lysine.
Molecular consequence: missense variant.
Genome position (GRCh38, 1-based): chr14:45,173,200, G>A. VCF-style: chr14-45173200-G-A. GRCh37 (hg19) VCF-style: chr14-45642403-G-A.
Other names: c.2228G>A, p.Arg743Lys (NM_001308133.2); short protein forms R743K, R769K.
Identifiers: ClinVar variation 1006934 (VCV001006934.9), dbSNP rs548624235, ClinGen allele CA7169314.